The following is an entry in ClinVar:

NM_000057.4(BLM):c.3905C>T (p.Ser1302Phe)

Gene: BLM (BLM RecQ like helicase; plus strand). Cytogenetic location: 15q26.1.
Variant type: single nucleotide variant.
Coding change: c.3905C>T on transcript NM_000057.4 (MANE Select); coding-DNA position 3905, C replaced by T.
Protein change: p.Ser1302Phe; replaces serine 1302 with phenylalanine.
Molecular consequence: missense variant.
Genome position (GRCh38, 1-based): chr15:90,811,235, C>T. VCF-style: chr15-90811235-C-T. GRCh37 (hg19) VCF-style: chr15-91354465-C-T.
Other names: c.3905C>T, p.Ser1302Phe (NM_001287246.2); c.3512C>T, p.Ser1171Phe (NM_001287247.2); c.2780C>T, p.Ser927Phe (NM_001287248.2); short protein forms S927F, S1171F, S1302F.
Identifiers: ClinVar variation 843387 (VCV000843387.10), dbSNP rs1897408433, ClinGen allele CA393850518.
Genomic context (GRCh38, chr15:90,811,235, plus strand): 5'-CCTGTAAACATCTGCATTTTCCATTTGTAGCTGAAGACAGTTCCCCAGGGATAAGCCTGT[C>T]CAGCAGCAGAGGCCCCGGAAGAAGTGCCGCTGAGGAGCTCGACGAGGAAATACCCGTATC-3'
Protein context (NP_000048.1, residues 1292-1312): AEDSSPGISL[Ser1302Phe]SSRGPGRSAA

ClinVar aggregate classification (germline): Uncertain significance. Review status: criteria provided, multiple submitters, no conflicts (2 of 4 stars). 3 submissions from 3 submitters: Uncertain significance (3). Last evaluated 2024-05-01.

Conditions:
Hereditary cancer-predisposing syndrome. Also called: Hereditary Cancer Syndrome; Hereditary neoplastic syndrome; Tumor predisposition; Neoplastic Syndromes, Hereditary. Identifiers: Orphanet 140162, MedGen C0027672, MeSH D009386, MONDO:0015356.
Bloom syndrome (BLM). Also called: Bloom-Torre-Machacek syndrome. Identifiers: Orphanet 125, MedGen C0005859, MONDO:0008876, OMIM 210900.

Submissions (3):

GeneDx
Classification: Uncertain significance. Last evaluated: 2024-05-01. Review status: criteria provided, single submitter. Criteria: GeneDx Variant Classification Process June 2021. Collection method: clinical testing. Allele origin: germline. Affected: yes.
Comment: Not observed at significant frequency in large population cohorts (gnomAD); In silico analysis indicates that this missense variant does not alter protein structure/function; Has not been previously published as pathogenic or benign to our knowledge

Ambry Genetics
Classification: Uncertain significance for Hereditary cancer-predisposing syndrome. Last evaluated: 2021-10-30. Review status: criteria provided, single submitter. Criteria: Ambry Variant Classification Scheme 2023. Collection method: clinical testing. Allele origin: germline.
Comment: The p.S1302F variant (also known as c.3905C>T), located in coding exon 20 of the BLM gene, results from a C to T substitution at nucleotide position 3905. The serine at codon 1302 is replaced by phenylalanine, an amino acid with highly dissimilar properties. This amino acid position is conserved. In addition, this alteration is predicted to be tolerated by in silico analysis. Since supporting evidence is limited at this time, the clinical significance of this alteration remains unclear.

Labcorp Genetics (formerly Invitae), Labcorp
Classification: Uncertain significance for Bloom syndrome. Last evaluated: 2021-08-26. Review status: criteria provided, single submitter. Criteria: Invitae Variant Classification Sherloc (09022015). Collection method: clinical testing. Allele origin: germline.
Comment: This sequence change replaces serine with phenylalanine at codon 1302 of the BLM protein (p.Ser1302Phe). The serine residue is weakly conserved and there is a large physicochemical difference between serine and phenylalanine. This variant is not present in population databases (ExAC no frequency). This variant has not been reported in the literature in individuals affected with BLM-related conditions. Algorithms developed to predict the effect of missense changes on protein structure and function (SIFT, PolyPhen-2, Align-GVGD) all suggest that this variant is likely to be tolerated. In summary, the available evidence is currently insufficient to determine the role of this variant in disease. Therefore, it has been classified as a Variant of Uncertain Significance.